The following is an entry in ClinVar:

NM_004614.5(TK2):c.582G>T (p.Lys194Asn)

Gene: TK2 (thymidine kinase 2; minus strand). Cytogenetic location: 16q21.
Variant type: single nucleotide variant.
Coding change: c.582G>T on transcript NM_004614.5 (MANE Select); coding-DNA position 582, G replaced by T.
Protein change: p.Lys194Asn; replaces lysine 194 with asparagine.
Molecular consequence: missense variant. On other transcripts: non-coding transcript variant (1), intron variant (1).
Genome position (GRCh38, 1-based): chr16:66,517,172, C>A on the plus strand (G>T on the coding strand, the complement: TK2 is on the minus strand). VCF-style: chr16-66517172-C-A. GRCh37 (hg19) VCF-style: chr16-66551075-C-A.
Other names: c.489G>T, p.Lys163Asn (NM_001172643.1); c.507G>T, p.Lys169Asn (NM_001172644.2); c.528G>T, p.Lys176Asn (NM_001172645.2); c.435G>T, p.Lys145Asn (NM_001271934.2); c.291G>T, p.Lys97Asn (NM_001272050.2); c.357-3361G>T (NM_001271935.1); short protein forms K145N, K163N, K169N, K176N, K194N, K97N.
Identifiers: ClinVar variation 3778848 (VCV003778848.2).

ClinVar aggregate classification (germline): Likely pathogenic (1 of 4 stars; one submission).

Conditions:
Mitochondrial disease. Also called: Mitochondrial disorders; Mitochondrial disorder. Identifiers: Orphanet 68380, MedGen C0751651, MeSH D028361, MONDO:0044970.

gnomAD v4.1: 10 of 1,614,118 alleles (0.00062%); highest among the groups gnomAD compares: African/African-American, 0.0027%; no homozygotes.

Submission:

Genomenon, Inc
Classification: Likely pathogenic for Mitochondrial disease. Last evaluated: 2025-11-24. Review status: criteria provided, single submitter. Criteria: Genomenon Sequence Variant Interpretation Standards - Updated. Collection method: curation. Allele origin: germline. Affected: yes.
Comment: TK2 p.Lys194Asn (c.582G>T) is a missense variant that changes the amino acid at residue 194 from Lysine to Asparagine. This variant has been observed in a proband affected with mitochondrial disease in the compound heterozygous state, with a pathogenic or likely pathogenic variant confirmed in trans (24198295). Functional studies have been reported (24198295). This variant is not present at a significant frequency in gnomAD and in silico models agree that this variant is possibly or probably damaging. In conclusion, we classify TK2 p.Lys194Asn (c.582G>T) as a likely pathogenic variant.

Literature cited by the submitters: PubMed 24198295.